The following is an entry in ClinVar:

NM_001031689.3(PLAA):c.952_953insTG (p.Ser318fs)

Gene: PLAA (phospholipase A2 activating protein; minus strand). Cytogenetic location: 9p21.2.
Variant type: Insertion.
Coding change: c.952_953insTG on transcript NM_001031689.3 (MANE Select); coding-DNA positions 952 to 953, TG inserted.
Protein change: p.Ser318fs; shifts the reading frame from serine 318.
Molecular consequence: frameshift variant.
Genome position: GRCh38 VCF-style: chr9-26923264-G-GCA. GRCh37 (hg19) VCF-style: chr9-26923262-G-GCA.
Other names: c.952_953insTG, p.Ser318fs (NM_001321546.2); short protein forms S318fs.
Identifiers: ClinVar variation 1369994 (VCV001369994.6), dbSNP rs2131387070, ClinGen allele CA2573143682.

ClinVar aggregate classification (germline): Uncertain significance (1 of 4 stars; one submission).

Submission:

Labcorp Genetics (formerly Invitae), Labcorp
Classification: Uncertain significance. Last evaluated: 2021-07-26. Review status: criteria provided, single submitter. Criteria: Invitae Variant Classification Sherloc (09022015). Collection method: clinical testing. Allele origin: germline.
Comment: In summary, the available evidence is currently insufficient to determine the role of this variant in disease. Therefore, it has been classified as a Variant of Uncertain Significance. This variant has not been reported in the literature in individuals affected with PLAA-related conditions. This variant is not present in population databases (ExAC no frequency). This sequence change creates a premature translational stop signal (p.Ser318Leufs*13) in the PLAA gene. It is expected to result in an absent or disrupted protein product. However, the current clinical and genetic evidence is not sufficient to establish whether loss-of-function variants in PLAA cause disease.